The following is an entry in ClinVar:

ClinVar aggregate classification (germline): Likely pathogenic. Review status: criteria provided, multiple submitters, no conflicts (2 of 4 stars). 2 submissions from 2 submitters: Likely pathogenic (2). Last evaluated 2025-05-04.

Conditions:
Familial cancer of breast. Also called: Hereditary breast cancer; BREAST CANCER, FAMILIAL; hereditary breast carcinoma. Identifiers: Orphanet 227535, MedGen C0346153, MONDO:0016419, OMIM 114480. Disease mechanism: loss of function.
Ataxia-telangiectasia syndrome (AT). Also called: Ataxia telangiectasia (A-T); Ataxia-telangiectasia, complementation group D; Ataxia-telangiectasia, complementation group E; LOUIS-BAR SYNDROME; Cerebello-oculocutaneous telangiectasia; Immunodeficiency with ataxia telangiectasia. Identifiers: Orphanet 100, MedGen C0004135, MONDO:0008840, OMIM 208900.

Allele frequency attached by ClinVar (database versions not stated): gnomAD exomes below 0.00001.
gnomAD v4.1: 1 of 1,469,418 alleles (0.000068%); highest among the groups gnomAD compares: Non-Finnish European, 0.000095%; no homozygotes.

Submissions (2):

Labcorp Genetics (formerly Invitae), Labcorp
Classification: Likely pathogenic for Ataxia-telangiectasia syndrome. Last evaluated: 2025-05-04. Review status: criteria provided, single submitter. Criteria: Invitae Variant Classification Sherloc (09022015). Collection method: clinical testing. Allele origin: germline.
Comment: This sequence change affects a donor splice site in intron 25 of the ATM gene. It is expected to disrupt RNA splicing. Variants that disrupt the donor or acceptor splice site typically lead to a loss of protein function (PMID: 16199547), and loss-of-function variants in ATM are known to be pathogenic (PMID: 23807571, 25614872). This variant is not present in population databases (gnomAD no frequency). This variant has not been reported in the literature in individuals affected with ATM-related conditions. ClinVar contains an entry for this variant (Variation ID: 3148777). Algorithms developed to predict the effect of sequence changes on RNA splicing suggest that this variant may disrupt the consensus splice site. In summary, the currently available evidence indicates that the variant is pathogenic, but additional data are needed to prove that conclusively. Therefore, this variant has been classified as Likely Pathogenic.

Myriad Genetics, Inc.
Classification: Likely pathogenic for Familial cancer of breast. Last evaluated: 2024-01-22. Review status: criteria provided, single submitter. Criteria: Myriad Autosomal Dominant, Autosomal Recessive and X-Linked Classification Criteria (2023). Collection method: clinical testing. Allele origin: unknown.
Comment: This variant is considered likely pathogenic. This variant occurs within a consensus splice junction and is predicted to result in abnormal mRNA splicing of either an out-of-frame exon or an in-frame exon necessary for protein stability and/or normal function.

Literature cited by the submitters: PubMed 16199547 (cited by Labcorp Genetics (formerly Invitae), Labcorp); PubMed 23807571 (cited by Labcorp Genetics (formerly Invitae), Labcorp); PubMed 25614872 (cited by Labcorp Genetics (formerly Invitae), Labcorp).

NM_000051.4(ATM):c.3746+2T>C

Gene: ATM (ATM serine/threonine kinase; plus strand). Cytogenetic location: 11q22.3.
Variant type: single nucleotide variant.
Coding change: c.3746+2T>C on transcript NM_000051.4 (MANE Select); the canonical splice donor site of the intron after coding-DNA position 3746, T replaced by C.
Molecular consequence: splice donor variant.
Genome position (GRCh38, 1-based): chr11:108,282,881, T>C. VCF-style: chr11-108282881-T-C. GRCh37 (hg19) VCF-style: chr11-108153608-T-C.
Other names: c.3746+2T>C (NM_001351834.2).
Identifiers: ClinVar variation 3148777 (VCV003148777.2), dbSNP rs2135691302, ClinGen allele CA382523928.